The following is an entry in ClinVar:

ClinVar aggregate classification (germline): Likely benign (1 of 4 stars; one submission).

Submission:

Mayo Clinic Laboratories, Mayo Clinic
Classification: Likely benign. Last evaluated: 2025-11-01. Review status: criteria provided, single submitter. Criteria: ACMG Guidelines, 2015. Collection method: clinical testing. Allele origin: germline. Observed: 1 variant allele.
Comment: BP4, BP7

NM_206926.2(SELENON):c.183+8C>G

Gene: SELENON (selenoprotein N; plus strand). Cytogenetic location: 1p36.11.
Variant type: single nucleotide variant.
Coding change: c.183+8C>G on transcript NM_206926.2 (MANE Select); 8 bases into the intron after coding-DNA position 183, C replaced by G.
Molecular consequence: intron variant.
Genome position (GRCh38, 1-based): chr1:25,800,421, C>G. VCF-style: chr1-25800421-C-G. GRCh37 (hg19) VCF-style: chr1-26126912-C-G.
Other names: p.?; c.183+8C>G (NM_020451.3).
Identifiers: ClinVar variation 4684779 (VCV004684779.1).